The following is an entry in ClinVar:

NM_003482.4(KMT2D):c.6298C>T (p.Pro2100Ser)

Gene: KMT2D (lysine methyltransferase 2D; minus strand). Cytogenetic location: 12q13.12.
Variant type: single nucleotide variant.
Coding change: c.6298C>T on transcript NM_003482.4 (MANE Select); coding-DNA position 6298, C replaced by T.
Protein change: p.Pro2100Ser; replaces proline 2100 with serine.
Molecular consequence: missense variant.
Genome position (GRCh38, 1-based): chr12:49,041,472, G>A on the plus strand (C>T on the coding strand, the complement: KMT2D is on the minus strand). VCF-style: chr12-49041472-G-A. GRCh37 (hg19) VCF-style: chr12-49435255-G-A.
Other names: short protein forms P2100S.
Identifiers: ClinVar variation 3610048 (VCV003610048.2).

ClinVar aggregate classification (germline): Uncertain significance (1 of 4 stars; one submission).

Conditions:
Kabuki syndrome. Also called: NIIKAWA-KUROKI SYNDROME; Kabuki make-up syndrome. Identifiers: Orphanet 2322, MedGen C0796004, MONDO:0016512.

gnomAD v4.1: 6 of 1,613,500 alleles (0.00037%); highest among the groups gnomAD compares: East Asian, 0.0067%; no homozygotes.

Submission:

Labcorp Genetics (formerly Invitae), Labcorp
Classification: Uncertain significance for Kabuki syndrome. Last evaluated: 2024-04-02. Review status: criteria provided, single submitter. Criteria: Invitae Variant Classification Sherloc (09022015). Collection method: clinical testing. Allele origin: germline.
Comment: This sequence change replaces proline, which is neutral and non-polar, with serine, which is neutral and polar, at codon 2100 of the KMT2D protein (p.Pro2100Ser). This variant is not present in population databases (gnomAD no frequency). This variant has not been reported in the literature in individuals affected with KMT2D-related conditions. Advanced modeling of protein sequence and biophysical properties (such as structural, functional, and spatial information, amino acid conservation, physicochemical variation, residue mobility, and thermodynamic stability) performed at Invitae indicates that this missense variant is not expected to disrupt KMT2D protein function with a negative predictive value of 95%. In summary, the available evidence is currently insufficient to determine the role of this variant in disease. Therefore, it has been classified as a Variant of Uncertain Significance.